The following is an entry in ClinVar:

NM_201384.3(PLEC):c.13421A>C (p.Tyr4474Ser)

Gene: PLEC (plectin; minus strand). Cytogenetic location: 8q24.3.
Variant type: single nucleotide variant.
Coding change: c.13421A>C on transcript NM_201384.3 (MANE Select); coding-DNA position 13421, A replaced by C.
Protein change: p.Tyr4474Ser; replaces tyrosine 4474 with serine.
Molecular consequence: missense variant.
Genome position (GRCh38, 1-based): chr8:143,916,400, T>G on the plus strand (A>C on the coding strand, the complement: PLEC is on the minus strand). VCF-style: chr8-143916400-T-G. GRCh37 (hg19) VCF-style: chr8-144990568-T-G.
Other names: c.13433A>C, p.Tyr4478Ser (NM_201383.3); c.13502A>C, p.Tyr4501Ser (NM_000445.5); c.10121A>C, p.Tyr3374Ser (NM_001410941.1); c.13379A>C, p.Tyr4460Ser (NM_201378.4); c.13355A>C, p.Tyr4452Ser (NM_201379.3); c.13832A>C, p.Tyr4611Ser (NM_201380.4); c.13325A>C, p.Tyr4442Ser (NM_201381.3); c.13421A>C, p.Tyr4474Ser (NM_201382.4); short protein forms Y4452S, Y4501S, Y4611S, Y3374S, Y4442S, Y4478S, Y4474S, Y4460S.
Identifiers: ClinVar variation 2935361 (VCV002935361.3), dbSNP rs782294435, ClinGen allele CA4923812.
Genomic context (GRCh38, chr8:143,916,400, plus strand): 5'-CGCGAGCCGGTGCGGGAGCCAGCGGTAGAGCCGGAGCCGCTGACGCTGTAGGGGCTGTAG[T>G]AGCCCTTGGTGGACTGCGCGGCAGCCTCCAGCAGCCGCAGCCCCGTGCCCTCCTCCACCA-3'
Protein context (NP_958786.1, residues 4464-4484): LEAAAQSTKG[Tyr4474Ser]YSPYSVSGSG

ClinVar aggregate classification (germline): Uncertain significance (1 of 4 stars; one submission).

Conditions:
Epidermolysis bullosa simplex with nail dystrophy (EBS5D). Identifiers: MedGen C4225309, MONDO:0014661, OMIM 616487.
Epidermolysis bullosa simplex 5C, with pyloric atresia (EBS5C). Also called: PLEC-Related Epidermolysis Bullosa with Pyloric Atresia; Epidermolysis bullosa simplex with pyloric atresia; PLEC1-Related Epidermolysis Bullosa with Pyloric Atresia. Identifiers: Orphanet 158684, MedGen C2677349, MONDO:0012807, OMIM 612138.
Autosomal recessive limb-girdle muscular dystrophy type 2Q (LGMDR17). Also called: MUSCULAR DYSTROPHY, LIMB-GIRDLE, AUTOSOMAL RECESSIVE 17. Identifiers: Orphanet 254361, MedGen C3150989, MONDO:0013390, OMIM 613723.
Epidermolysis bullosa simplex, Ogna type (EBS5A). Also called: Pidermolysis bullosa simplex 5A, Ogna type; EPIDERMOLYSIS BULLOSA SIMPLEX 5A, OGNA TYPE. Identifiers: Orphanet 79401, MedGen C0432317, MONDO:0007555, OMIM 131950.
Epidermolysis bullosa simplex 5B, with muscular dystrophy (EBS5B). Also called: EPIDERMOLYSIS BULLOSA SIMPLEX AND LIMB-GIRDLE MUSCULAR DYSTROPHY; Epidermolysis bullosa simplex with muscular dystrophy. Identifiers: Orphanet 257, MedGen C2931072, MONDO:0009181, OMIM 226670.

Allele frequency attached by ClinVar (database versions not stated): gnomAD exomes below 0.00001; TOPMed below 0.00001; ExAC 0.00001.
gnomAD v4.1: 1 of 1,611,292 alleles (0.000062%); highest among the groups gnomAD compares: Non-Finnish European, 0.000085%; no homozygotes.

Submission:

Labcorp Genetics (formerly Invitae), Labcorp
Classification: Uncertain significance for Autosomal recessive limb-girdle muscular dystrophy type 2Q; Epidermolysis bullosa simplex, Ogna type; Epidermolysis bullosa simplex with nail dystrophy; Epidermolysis bullosa simplex 5C, with pyloric atresia; Epidermolysis bullosa simplex 5B, with muscular dystrophy. Last evaluated: 2023-11-28. Review status: criteria provided, single submitter. Criteria: Invitae Variant Classification Sherloc (09022015). Collection method: clinical testing. Allele origin: germline.
Comment: This sequence change replaces tyrosine, which is neutral and polar, with serine, which is neutral and polar, at codon 4501 of the PLEC protein (p.Tyr4501Ser). This variant is present in population databases (rs782294435, gnomAD 0.001%). This variant has not been reported in the literature in individuals affected with PLEC-related conditions. Advanced modeling of protein sequence and biophysical properties (such as structural, functional, and spatial information, amino acid conservation, physicochemical variation, residue mobility, and thermodynamic stability) performed at Invitae indicates that this missense variant is not expected to disrupt PLEC protein function with a negative predictive value of 80%. In summary, the available evidence is currently insufficient to determine the role of this variant in disease. Therefore, it has been classified as a Variant of Uncertain Significance.